The following is an entry in ClinVar:

ClinVar aggregate classification (germline): Conflicting classifications of pathogenicity. Review status: criteria provided, conflicting classifications (1 of 4 stars). 7 submissions from 6 submitters: Uncertain significance (5); Likely benign (1). 1 of the submissions does not count toward it. Last evaluated 2025-12-01.

Conditions:
NF1-related disorder. Also called: NF1-related condition. Identifiers: MedGen CN379171.
Cardiovascular phenotype. Identifiers: MedGen CN230736.
Hereditary cancer-predisposing syndrome. Also called: Hereditary neoplastic syndrome; Neoplastic Syndromes, Hereditary; Tumor predisposition; Hereditary Cancer Syndrome. Identifiers: Orphanet 140162, MedGen C0027672, MeSH D009386, MONDO:0015356.
Juvenile myelomonocytic leukemia (JMML). Also called: LEUKEMIA, JUVENILE MYELOMONOCYTIC, SOMATIC. Identifiers: Orphanet 86834, MedGen C0349639, MONDO:0011908, OMIM 607785, HP:0012209.
Neurofibromatosis, type 1 (NF1). Also called: VON RECKLINGHAUSEN DISEASE; Peripheral type neurofibromatosis; NEUROFIBROMATOSIS, TYPE I, SOMATIC; Neurofibromatosis, type I. Identifiers: Orphanet 636, MedGen C0027831, MONDO:0018975, OMIM 162200. Disease mechanism: loss of function.

Allele frequency attached by ClinVar (database versions not stated): gnomAD exomes below 0.00001; gnomAD 0.00001; TOPMed 0.00002.
gnomAD v4.1: 2 of 1,613,892 alleles (0.00012%); highest among the groups gnomAD compares: African/African-American, 0.0013%; no homozygotes.

Submissions (7):

Labcorp Genetics (formerly Invitae), Labcorp
Classification: Likely benign for Neurofibromatosis, type 1. Last evaluated: 2025-12-01. Review status: criteria provided, single submitter. Criteria: Invitae Variant Classification Sherloc (09022015). Collection method: clinical testing. Allele origin: germline.

Women's Health and Genetics/Laboratory Corporation of America, LabCorp
Classification: Uncertain significance. Last evaluated: 2023-10-17. Review status: criteria provided, single submitter. Criteria: LabCorp Variant Classification Summary - May 2015. Collection method: clinical testing. Allele origin: germline.
Comment: Variant summary: NF1 c.6259A>T (p.Thr2087Ser) results in a conservative amino acid change in the encoded protein sequence. Four of five in-silico tools predict a damaging effect of the variant on protein function. The variant was absent in 251414 control chromosomes (gnomAD). The available data on variant occurrences in the general population are insufficient to allow any conclusion about variant significance. c.6259A>T has been reported in the literature in a sporadic dermal neurofibroma, however it was not determined whether the variant was also in the germline of the subject as this individual was lost to follow-up (Anastasaki_2017). This report does not provide unequivocal conclusions about association of the variant with Neurofibromatosis Type 1. To our knowledge, no experimental evidence demonstrating an impact on protein function has been reported. The following publication has been ascertained in the context of this evaluation (PMID: 28548933). Three submitters have cited clinical-significance assessments for this variant to ClinVar after 2014. All submitters classified the variant as uncertain significance. Based on the evidence outlined above, the variant was classified as uncertain significance.

Baylor Genetics
Classification: Uncertain significance for Juvenile myelomonocytic leukemia. Last evaluated: 2023-08-05. Review status: criteria provided, single submitter. Criteria: ACMG Guidelines, 2015. Collection method: clinical testing. Allele origin: unknown.

Genome-Nilou Lab
Classification: Uncertain significance for Neurofibromatosis, type 1. Last evaluated: 2022-03-15. Review status: criteria provided, single submitter. Criteria: ACMG Guidelines, 2015. Collection method: clinical testing. Allele origin: germline. Affected: no.

Ambry Genetics
Classification: Uncertain significance for Cardiovascular phenotype; Hereditary cancer-predisposing syndrome. Last evaluated: 2021-12-21. Review status: criteria provided, single submitter. Criteria: Ambry Variant Classification Scheme 2023. Collection method: clinical testing. Allele origin: germline.

Ambry Genetics
Classification: Uncertain significance for Hereditary cancer-predisposing syndrome. Last evaluated: 2016-03-18. Review status: criteria provided, single submitter. Criteria: Ambry Autosomal Dominant and X-Linked criteria (10/2015). Collection method: clinical testing. Allele origin: germline. Observed: 1 variant allele.
Comment: The p.T2108S variant (also known as c.6322A>T), located in coding exon 42 of the NF1 gene, results from an A to T substitution at nucleotide position 6322. The threonine at codon 2108 is replaced by serine, an amino acid with similar properties. This variant was not reported in population based cohorts in the following databases: Database of Single Nucleotide Polymorphisms (dbSNP), NHLBI Exome Sequencing Project (ESP), and 1000 Genomes Project. In the ESP, this variant was not observed in 6503 samples (13006 alleles) with coverage at this position. To date, this alteration has been detected with an allele frequency of approximately 0.001% (greater than 110000alleles tested) in our clinical cohort.This amino acid position is highly conserved in available vertebrate species. In addition, this alteration is predicted to be deleterious by in silico analysis.Since supporting evidence is limited at this time, the clinical significance of this alteration remains unclear.

PreventionGenetics, part of Exact Sciences
Classification: Uncertain significance for NF1-related condition. Last evaluated: 2024-06-22. Review status: no assertion criteria provided. Collection method: clinical testing. Allele origin: germline. Not counted in ClinVar's aggregate classification.
Comment: The NF1 c.6322A>T variant is predicted to result in the amino acid substitution p.Thr2108Ser. This variant is also known as c.6259A>T (p.Thr2087Ser) on transcript NM_000267.3 which is the main reportable transcript for hereditary cancer. To our knowledge, this variant has not been reported in the literature as a germline variant or in a large population database, indicating this variant is rare. This variant is classified as a variant of uncertain significance by multiple submitters in ClinVar. At this time, the clinical significance of this variant is uncertain due to the absence of conclusive functional and genetic evidence.

Literature cited by the submitters: PubMed 10678181 (cited by Women's Health and Genetics/Laboratory Corporation of America, LabCorp); PubMed 23460398 (cited by Women's Health and Genetics/Laboratory Corporation of America, LabCorp); PubMed 29872168 (cited by Women's Health and Genetics/Laboratory Corporation of America, LabCorp); PubMed 27069254 (cited by Women's Health and Genetics/Laboratory Corporation of America, LabCorp); PubMed 28548933 (cited by Women's Health and Genetics/Laboratory Corporation of America, LabCorp).

NM_001042492.3(NF1):c.6322A>T (p.Thr2108Ser)

Gene: NF1 (neurofibromin 1; plus strand). Cytogenetic location: 17q11.2.
Variant type: single nucleotide variant.
Coding change: c.6322A>T on transcript NM_001042492.3 (MANE Select); coding-DNA position 6322, A replaced by T.
Protein change: p.Thr2108Ser; replaces threonine 2108 with serine.
Molecular consequence: missense variant.
Genome position (GRCh38, 1-based): chr17:31,336,809, A>T. VCF-style: chr17-31336809-A-T. GRCh37 (hg19) VCF-style: chr17-29663827-A-T.
Other names: c.6259A>T, p.Thr2087Ser (NM_000267.4); short protein forms T2108S, T2087S.
Identifiers: ClinVar variation 484025 (VCV000484025.15), dbSNP rs1024333224, ClinGen allele CA289386238.
Genomic context (GRCh38, chr17:31,336,809, plus strand): 5'-CTGTCCTTCAACAATTCCCTTGATGTGGCAGCTCATCTTCCCTACCTCTTCCACGTTGTT[A>T]CTTTCTTAGTAGCCACAGGTCCGCTCTCCCTTAGAGCTTCCACACATGGACTGGTCATTA-3'
Protein context (NP_001035957.1, residues 2098-2118): AHLPYLFHVV[Thr2108Ser]FLVATGPLSL